The following is an entry in ClinVar:

ClinVar aggregate classification (germline): Uncertain significance. Review status: criteria provided, multiple submitters, no conflicts (2 of 4 stars). 2 submissions from 2 submitters: Uncertain significance (2). Last evaluated 2022-09-04.

Conditions:
Cardiovascular phenotype. Identifiers: MedGen CN230736.
Long QT syndrome (LQTS). Identifiers: MedGen C0023976, MeSH D008133, MONDO:0002442. Disease mechanism: loss of function. Inheritance: Various modes of inheritance.

Allele frequency attached by ClinVar (database versions not stated): gnomAD exomes below 0.00001 and 0.00001; TOPMed below 0.00001; gnomAD 0.00001.
gnomAD v4.1: 2 of 1,613,810 alleles (0.00012%); highest among the groups gnomAD compares: East Asian, 0.0022%; no homozygotes.

Submissions (2):

Labcorp Genetics (formerly Invitae), Labcorp
Classification: Uncertain significance for Long QT syndrome. Last evaluated: 2022-09-04. Review status: criteria provided, single submitter. Criteria: Invitae Variant Classification Sherloc (09022015). Collection method: clinical testing. Allele origin: germline.
Comment: This sequence change replaces valine, which is neutral and non-polar, with alanine, which is neutral and non-polar, at codon 3444 of the ANK2 protein (p.Val3444Ala). This variant is present in population databases (no rsID available, gnomAD 0.006%). This variant has not been reported in the literature in individuals affected with ANK2-related conditions. ClinVar contains an entry for this variant (Variation ID: 641116). Algorithms developed to predict the effect of missense changes on protein structure and function output the following: SIFT: "Deleterious"; PolyPhen-2: "Possibly Damaging"; Align-GVGD: "Class C0". The alanine amino acid residue is found in multiple mammalian species, which suggests that this missense change does not adversely affect protein function. In summary, the available evidence is currently insufficient to determine the role of this variant in disease. Therefore, it has been classified as a Variant of Uncertain Significance.

Ambry Genetics
Classification: Uncertain significance for Cardiovascular phenotype. Last evaluated: 2021-11-22. Review status: criteria provided, single submitter. Criteria: Ambry Variant Classification Scheme 2023. Collection method: clinical testing. Allele origin: germline.
Comment: The p.V3444A variant (also known as c.10331T>C), located in coding exon 38 of the ANK2 gene, results from a T to C substitution at nucleotide position 10331. This exon is expressed solely in brain (Mohler PJ et al. Circulation. 2007;115(4):432-41). The valine at codon 3444 is replaced by alanine, an amino acid with similar properties. This amino acid position is highly conserved in available vertebrate species. In addition, this alteration is predicted to be deleterious by in silico analysis. Since supporting evidence is limited at this time, the clinical significance of this alteration remains unclear.

NM_001148.6(ANK2):c.10331T>C (p.Val3444Ala)

Gene: ANK2 (ankyrin 2; plus strand). Cytogenetic location: 4q26.
Variant type: single nucleotide variant.
Coding change: c.10331T>C on transcript NM_001148.6 (MANE Select); coding-DNA position 10331, T replaced by C.
Protein change: p.Val3444Ala; replaces valine 3444 with alanine.
Molecular consequence: missense variant. On other transcripts: intron variant (68).
Genome position (GRCh38, 1-based): chr4:113,358,949, T>C. VCF-style: chr4-113358949-T-C. GRCh37 (hg19) VCF-style: chr4-114280105-T-C.
Other names: c.4364-1874T>C (NM_001386143.1, NM_001354243.2, NM_001354255.2); c.4265-1874T>C (NM_001354262.2, NM_001354275.2, NM_001354245.2); c.10097T>C, p.Val3366Ala (NM_001386142.1); c.6731T>C, p.Val2244Ala (NM_001386166.1); c.4202-1874T>C (NM_001354253.2, NM_001354270.2); c.10472T>C, p.Val3491Ala (NM_001386174.1); c.4166-1874T>C (NM_001354257.2, NM_001386156.1); c.10448T>C, p.Val3483Ala (NM_001386175.1); and 35 more; short protein forms V3444A, V2244A, V3366A, V3483A, V3491A.
Identifiers: ClinVar variation 641116 (VCV000641116.7), dbSNP rs1389060330, ClinGen allele CA357940178.